The following is an entry in ClinVar:

ClinVar aggregate classification (germline): Likely pathogenic (1 of 4 stars; one submission).

Conditions:
Joubert syndrome. Also called: CEREBELLOPARENCHYMAL DISORDER IV; JOUBERT-BOLTSHAUSER SYNDROME; Familial aplasia of the vermis. Identifiers: Orphanet 475, MedGen C5979921, MONDO:0018772.
Meckel-Gruber syndrome. Also called: DYSENCEPHALIA SPLANCHNOCYSTICA; GRUBER SYNDROME; Dysencephalia splachnocystica. Identifiers: Orphanet 564, MedGen C0265215, MONDO:0018921.

Allele frequency attached by ClinVar (database versions not stated): ExAC 0.00001.
gnomAD v4.1: 2 of 1,611,444 alleles (0.00012%); highest among the groups gnomAD compares: Non-Finnish European, 0.00017%; no homozygotes.

Submission:

Labcorp Genetics (formerly Invitae), Labcorp
Classification: Likely pathogenic for Joubert syndrome; Meckel-Gruber syndrome. Last evaluated: 2023-11-24. Review status: criteria provided, single submitter. Criteria: Invitae Variant Classification Sherloc (09022015). Collection method: clinical testing. Allele origin: germline.
Comment: This sequence change affects a donor splice site in intron 3 of the TCTN1 gene. It is expected to disrupt RNA splicing. Variants that disrupt the donor or acceptor splice site typically lead to a loss of protein function (PMID: 16199547), and loss-of-function variants in TCTN1 are known to be pathogenic (PMID: 21725307, 22693042, 27894351). This variant is present in population databases (rs769457761, gnomAD 0.0009%). This variant has not been reported in the literature in individuals affected with TCTN1-related conditions. Algorithms developed to predict the effect of sequence changes on RNA splicing suggest that this variant may disrupt the consensus splice site. In summary, the currently available evidence indicates that the variant is pathogenic, but additional data are needed to prove that conclusively. Therefore, this variant has been classified as Likely Pathogenic.

Literature cited by the submitters: PubMed 16199547; PubMed 21725307; PubMed 22693042; PubMed 27894351.

NM_001082538.3(TCTN1):c.472+1G>C

Gene: TCTN1 (tectonic family member 1; plus strand). Cytogenetic location: 12q24.11.
Variant type: single nucleotide variant.
Coding change: c.472+1G>C on transcript NM_001082538.3 (MANE Select); the canonical splice donor site of the intron after coding-DNA position 472, G replaced by C.
Molecular consequence: splice donor variant.
Genome position (GRCh38, 1-based): chr12:110,626,493, G>C. VCF-style: chr12-110626493-G-C. GRCh37 (hg19) VCF-style: chr12-111064298-G-C.
Other names: c.304+1G>C (NM_001173975.3, NM_001319682.3); c.292+1G>C (NM_001173976.2); c.-236+1G>C (NM_001319681.2); c.472+1G>C (NM_024549.6, NM_001082537.3, NM_001319680.2).
Identifiers: ClinVar variation 2954160 (VCV002954160.3), dbSNP rs769457761, ClinGen allele CA6786562.